The following is an entry in ClinVar:

NM_000507.4(FBP1):c.704C>G (p.Pro235Arg)

Gene: FBP1 (fructose-bisphosphatase 1; minus strand). Cytogenetic location: 9q22.32.
Variant type: single nucleotide variant.
Coding change: c.704C>G on transcript NM_000507.4 (MANE Select); coding-DNA position 704, C replaced by G.
Protein change: p.Pro235Arg; replaces proline 235 with arginine.
Molecular consequence: missense variant.
Genome position (GRCh38, 1-based): chr9:94,606,816, G>C on the plus strand (C>G on the coding strand, the complement: FBP1 is on the minus strand). VCF-style: chr9-94606816-G-C. GRCh37 (hg19) VCF-style: chr9-97369098-G-C.
Other names: c.704C>G, p.Pro235Arg (NM_001127628.2); short protein forms P235R.
Identifiers: ClinVar variation 4753658 (VCV004753658.1).
Genomic context (GRCh38, chr9:94,606,816, plus strand): 5'-AACGGCCTCTGGTGCCAGATGCCCAGAACCTGCACCACCCTCCCCGGGCCCTCACTTACT[G>C]GGGGGAACTTCTTCCTCTGGATGTACTCAGTGACGGCAGGGTCAAAGTCCCTGGCGTAGC-3'
Protein context (NP_000498.2, residues 225-245): TEYIQRKKFP[Pro235Arg]DNSAPYGARY

ClinVar aggregate classification (germline): Uncertain significance (1 of 4 stars; one submission).

Conditions:
Fructose-biphosphatase deficiency (FBP1D). Also called: Fructose-1,6-Diphosphatase Deficiency; Fructose 1,6 Bisphosphatase Deficiency; Fructose-1,6-Bisphosphatase 1 Deficiency. Identifiers: Orphanet 348, MedGen C0016756, MONDO:0009251, OMIM 229700.

gnomAD v4.1: 23 of 1,612,930 alleles (0.0014%); highest among the groups gnomAD compares: Non-Finnish European, 0.0017%; no homozygotes.

Submission:

Labcorp Genetics (formerly Invitae), Labcorp
Classification: Uncertain significance for Fructose-biphosphatase deficiency. Last evaluated: 2025-08-04. Review status: criteria provided, single submitter. Criteria: Invitae Variant Classification Sherloc (09022015). Collection method: clinical testing. Allele origin: germline.
Comment: This sequence change replaces proline, which is neutral and non-polar, with arginine, which is basic and polar, at codon 235 of the FBP1 protein (p.Pro235Arg). This variant is present in population databases (rs201064471, gnomAD 0.003%). This variant has not been reported in the literature in individuals affected with FBP1-related conditions. Invitae Evidence Modeling of protein sequence and biophysical properties (such as structural, functional, and spatial information, amino acid conservation, physicochemical variation, residue mobility, and thermodynamic stability) indicates that this missense variant is not expected to disrupt FBP1 protein function with a negative predictive value of 95%. In summary, the available evidence is currently insufficient to determine the role of this variant in disease. Therefore, it has been classified as a Variant of Uncertain Significance.